The following is an entry in ClinVar:

NM_031418.4(ANO3):c.2139C>T (p.Tyr713=)

Gene: ANO3 (anoctamin 3; plus strand). Cytogenetic location: 11p14.2.
Variant type: single nucleotide variant.
Coding change: c.2139C>T on transcript NM_031418.4 (MANE Select); coding-DNA position 2139, C replaced by T.
Protein change: p.Tyr713=; no amino-acid change (tyrosine 713 retained).
Molecular consequence: synonymous variant.
Genome position (GRCh38, 1-based): chr11:26,639,239, C>T. VCF-style: chr11-26639239-C-T. GRCh37 (hg19) VCF-style: chr11-26660786-C-T.
Other names: c.2322C>T, p.Tyr774= (NM_001313726.2); c.1701C>T, p.Tyr567= (NM_001313727.2).
Identifiers: ClinVar variation 3375009 (VCV003375009.1).

ClinVar aggregate classification (germline): Uncertain significance (1 of 4 stars; one submission).

Submission:

Women's Health and Genetics/Laboratory Corporation of America, LabCorp
Classification: Uncertain significance. Last evaluated: 2024-09-06. Review status: criteria provided, single submitter. Criteria: LabCorp Variant Classification Summary - May 2015. Collection method: clinical testing. Allele origin: germline.
Comment: Variant summary: ANO3 c.2139C>T (p.Tyr713Tyr) alters a non-conserved nucleotide located close to a canonical splice site and therefore could affect mRNA splicing, leading to a significantly altered protein sequence. Consensus agreement among computation tools predict no significant impact on normal splicing. However, these predictions have yet to be confirmed by functional studies. The variant was absent in 250930 control chromosomes. The available data on variant occurrences in the general population are insufficient to allow any conclusion about variant significance. To our knowledge, no occurrence of c.2139C>T in individuals affected with Dystonia 24 and no experimental evidence demonstrating its impact on protein function have been reported. No submitters have cited clinical-significance assessments for this variant to ClinVar. Based on the evidence outlined above, the variant was classified as uncertain significance.